The following is an entry in ClinVar:

ClinVar aggregate classification (germline): Conflicting classifications of pathogenicity. Review status: criteria provided, conflicting classifications (1 of 4 stars). 5 submissions from 5 submitters: Uncertain significance (3); Likely benign (2). Last evaluated 2026-03-02.

Conditions:
Charcot-Marie-Tooth disease dominant intermediate E. Also called: CHARCOT-MARIE-TOOTH NEUROPATHY WITH FOCAL SEGMENTAL GLOMERULONEPHRITIS. Identifiers: Orphanet 93114, MedGen C4302667, MONDO:0013758, OMIM 614455.
Focal segmental glomerulosclerosis 5 (FSGS5). Identifiers: Orphanet 656, MedGen C2750475, MONDO:0013191, OMIM 613237.
Inborn genetic diseases. Identifiers: MedGen C0950123, MeSH D030342.
INF2-related disorder. Also called: INF2-related condition.

Allele frequency attached by ClinVar (database versions not stated): gnomAD exomes 0.00001; gnomAD 0.00007; ExAC 0.00010.

Submissions (5):

PreventionGenetics, part of Exact Sciences
Classification: Uncertain significance for INF2-related condition. Last evaluated: 2026-03-02. Review status: criteria provided, single submitter. Criteria: ACMG Guidelines, 2015. Collection method: clinical testing. Allele origin: germline.
Comment: The INF2 c.1304C>T variant is predicted to result in the amino acid substitution p.Ala435Val. To our knowledge, this variant has not been reported in the literature. This variant is reported in 0.0017% of alleles in individuals of European (non-Finnish) descent in gnomAD. At this time, the clinical significance of this variant is uncertain due to the absence of conclusive functional and genetic evidence.

Labcorp Genetics (formerly Invitae), Labcorp
Classification: Likely benign for Charcot-Marie-Tooth disease dominant intermediate E; Focal segmental glomerulosclerosis 5. Last evaluated: 2025-09-24. Review status: criteria provided, single submitter. Criteria: Invitae Variant Classification Sherloc (09022015). Collection method: clinical testing. Allele origin: germline.

Blueprint Genetics
Classification: Uncertain significance. Last evaluated: 2024-08-23. Review status: criteria provided, single submitter. Criteria: ACMG Guidelines, 2015. Collection method: clinical testing. Allele origin: germline.

Ambry Genetics
Classification: Uncertain significance for Inborn genetic diseases. Last evaluated: 2019-09-06. Review status: criteria provided, single submitter. Criteria: Ambry Variant Classification Scheme 2023. Collection method: clinical testing. Allele origin: germline.
Comment: The p.A435V variant (also known as c.1304C>T), located in coding exon 7 of the INF2 gene, results from a C to T substitution at nucleotide position 1304. The alanine at codon 435 is replaced by valine, an amino acid with similar properties. This amino acid position is not well conserved in available vertebrate species. In addition, this alteration is predicted to be tolerated by in silico analysis. Since supporting evidence is limited at this time, the clinical significance of this alteration remains unclear.

GeneDx
Classification: Likely benign. Last evaluated: 2018-07-13. Review status: criteria provided, single submitter. Criteria: GeneDx Variant Classification Process June 2021. Collection method: clinical testing. Allele origin: germline. Affected: yes.

NM_022489.4(INF2):c.1304C>T (p.Ala435Val)

Gene: INF2 (inverted formin 2; plus strand). Cytogenetic location: 14q32.33.
Variant type: single nucleotide variant.
Coding change: c.1304C>T on transcript NM_022489.4 (MANE Select); coding-DNA position 1304, C replaced by T.
Protein change: p.Ala435Val; replaces alanine 435 with valine.
Molecular consequence: missense variant.
Genome position (GRCh38, 1-based): chr14:104,707,571, C>T. VCF-style: chr14-104707571-C-T. GRCh37 (hg19) VCF-style: chr14-105173908-C-T.
Other names: c.1304C>T, p.Ala435Val (NM_001031714.4); short protein forms A435V.
Identifiers: ClinVar variation 660854 (VCV000660854.15), dbSNP rs777455096, ClinGen allele CA7372554.